The following is an entry in ClinVar:

NM_001035.3(RYR2):c.13312G>C (p.Glu4438Gln)

Gene: RYR2 (ryanodine receptor 2; plus strand). Cytogenetic location: 1q43.
Variant type: single nucleotide variant.
Coding change: c.13312G>C on transcript NM_001035.3 (MANE Select); coding-DNA position 13312, G replaced by C.
Protein change: p.Glu4438Gln; replaces glutamic acid 4438 with glutamine.
Molecular consequence: missense variant.
Genome position (GRCh38, 1-based): chr1:237,786,020, G>C. VCF-style: chr1-237786020-G-C. GRCh37 (hg19) VCF-style: chr1-237949320-G-C.
Other names: short protein forms E4438Q.
Identifiers: ClinVar variation 2810160 (VCV002810160.4), dbSNP rs2527821242, ClinGen allele CA345415942.

ClinVar aggregate classification (germline): Uncertain significance. Review status: criteria provided, multiple submitters, no conflicts (2 of 4 stars). 2 submissions from 2 submitters: Uncertain significance (2). Last evaluated 2024-04-25.

Conditions:
Catecholaminergic polymorphic ventricular tachycardia (CVPT). Also called: Catecholamine-induced polymorphic ventricular tachycardia. Identifiers: Orphanet 3286, MedGen C5574922, MONDO:0017990.
Catecholaminergic polymorphic ventricular tachycardia 1. Also called: RYR2-Related Catecholaminergic Polymorphic Ventricular Tachycardia; VENTRICULAR TACHYCARDIA, CATECHOLAMINERGIC POLYMORPHIC, 1, WITH OR WITHOUT ATRIAL DYSFUNCTION AND/OR DILATED CARDIOMYOPATHY; VENTRICULAR TACHYCARDIA, STRESS-INDUCED POLYMORPHIC 1. Identifiers: Orphanet 3286, MedGen C1631597, MONDO:0011484, OMIM 604772.

Submissions (2):

All of Us Research Program, National Institutes of Health
Classification: Uncertain significance for Catecholaminergic polymorphic ventricular tachycardia. Last evaluated: 2024-04-25. Review status: criteria provided, single submitter. Criteria: ACMG Guidelines, 2015. Collection method: clinical testing. Allele origin: germline. Inheritance: Autosomal dominant inheritance. Observed: 1 variant allele, 1 heterozygote.
Comment: This missense variant replaces glutamic acid with glutamine at codon 4438 of the RYR2 protein. Computational prediction suggests that this variant may not impact protein structure and function (internally defined REVEL score threshold <= 0.5, PMID: 27666373). To our knowledge, functional studies have not been reported for this variant. This variant has not been reported in individuals affected with RYR2-related disorders in the literature. This variant has not been identified in the general population by the Genome Aggregation Database (gnomAD). The available evidence is insufficient to determine the role of this variant in disease conclusively. Therefore, this variant is classified as a Variant of Uncertain Significance.

This study involves interpretation of variants in research participants for the purpose of population health screening. Participant phenotype was not available at the time of variant classification. Additional details can be found in publication PMID: 35346344, PMCID: PMC8962531

Labcorp Genetics (formerly Invitae), Labcorp
Classification: Uncertain significance for Catecholaminergic polymorphic ventricular tachycardia 1. Last evaluated: 2022-12-21. Review status: criteria provided, single submitter. Criteria: Invitae Variant Classification Sherloc (09022015). Collection method: clinical testing. Allele origin: germline.
Comment: This variant is not present in population databases (gnomAD no frequency). In summary, the available evidence is currently insufficient to determine the role of this variant in disease. Therefore, it has been classified as a Variant of Uncertain Significance. Advanced modeling of protein sequence and biophysical properties (such as structural, functional, and spatial information, amino acid conservation, physicochemical variation, residue mobility, and thermodynamic stability) performed at Invitae indicates that this missense variant is not expected to disrupt RYR2 protein function. This variant has not been reported in the literature in individuals affected with RYR2-related conditions. This sequence change replaces glutamic acid, which is acidic and polar, with glutamine, which is neutral and polar, at codon 4438 of the RYR2 protein (p.Glu4438Gln).